The following is an entry in ClinVar:

ClinVar aggregate classification (germline): Uncertain significance (1 of 4 stars; one submission).

gnomAD v4.1: 3 of 1,592,756 alleles (0.00019%); highest among the groups gnomAD compares: South Asian, 0.0034%; no homozygotes.

Submission:

Mayo Clinic Laboratories, Mayo Clinic
Classification: Uncertain significance. Last evaluated: 2025-09-26. Review status: criteria provided, single submitter. Criteria: ACMG Guidelines, 2015. Collection method: clinical testing. Allele origin: germline. Observed: 1 variant allele.
Comment: BP4_moderate, BP5, PM2_supporting

NM_001009944.3(PKD1):c.10596G>C (p.Gln3532His)

Genes: PKD1 (polycystin 1, transient receptor potential channel interacting; minus strand), PKD1-AS1 (PKD1 antisense RNA 1; plus strand). Cytogenetic location: 16p13.3.
Variant type: single nucleotide variant.
Coding change: c.10596G>C on transcript NM_001009944.3 (MANE Select); coding-DNA position 10596, G replaced by C.
Protein change: p.Gln3532His; replaces glutamine 3532 with histidine.
Molecular consequence: missense variant.
Genome position (GRCh38, 1-based): chr16:2,094,114, C>G on the plus strand (G>C on the coding strand, the complement: PKD1 is on the minus strand). VCF-style: chr16-2094114-C-G. GRCh37 (hg19) VCF-style: chr16-2144115-C-G.
Other names: p.Gln3532His; c.10593G>C, p.Gln3531His (NM_000296.4); short protein forms Q3531H, Q3532H.
Identifiers: ClinVar variation 4541989 (VCV004541989.1).